The following is an entry in ClinVar:

ClinVar aggregate classification (germline): Uncertain significance (1 of 4 stars; one submission).

Allele frequency attached by ClinVar (database versions not stated): ESP Exome Variant Server 0.00008.
gnomAD v4.1: 2 of 1,614,130 alleles (0.00012%); highest among the groups gnomAD compares: Non-Finnish European, 0.000085%; no homozygotes.

Submission:

Labcorp Genetics (formerly Invitae), Labcorp
Classification: Uncertain significance. Last evaluated: 2022-04-15. Review status: criteria provided, single submitter. Criteria: Invitae Variant Classification Sherloc (09022015). Collection method: clinical testing. Allele origin: germline.
Comment: This variant is present in population databases (rs369658583, gnomAD 0.0009%). This sequence change replaces arginine, which is basic and polar, with serine, which is neutral and polar, at codon 76 of the ACOX2 protein (p.Arg76Ser). This variant has not been reported in the literature in individuals affected with ACOX2-related conditions. In summary, the available evidence is currently insufficient to determine the role of this variant in disease. Therefore, it has been classified as a Variant of Uncertain Significance. Algorithms developed to predict the effect of missense changes on protein structure and function (SIFT, PolyPhen-2, Align-GVGD) all suggest that this variant is likely to be tolerated.

NM_003500.4(ACOX2):c.226C>A (p.Arg76Ser)

Gene: ACOX2 (acyl-CoA oxidase 2; minus strand). Cytogenetic location: 3p14.3.
Variant type: single nucleotide variant.
Coding change: c.226C>A on transcript NM_003500.4 (MANE Select); coding-DNA position 226, C replaced by A.
Protein change: p.Arg76Ser; replaces arginine 76 with serine.
Molecular consequence: missense variant.
Genome position (GRCh38, 1-based): chr3:58,534,457, G>T on the plus strand (C>A on the coding strand, the complement: ACOX2 is on the minus strand). VCF-style: chr3-58534457-G-T. GRCh37 (hg19) VCF-style: chr3-58520184-G-T.
Other names: short protein forms R76S.
Identifiers: ClinVar variation 2088983 (VCV002088983.4), dbSNP rs369658583, ClinGen allele CA2472488.